The following is an entry in ClinVar:

Conditions:
Breast-ovarian cancer, familial, susceptibility to, 1 (BROVCA1). Also called: BRCA1 Hereditary Breast and Ovarian Cancer; OVARIAN CANCER, SUSCEPTIBILITY TO. Identifiers: Orphanet 145, MedGen C2676676, MONDO:0011450, OMIM 604370. Disease mechanism: loss of function.

Submission:

Brotman Baty Institute, University of Washington
No classification provided (evidence only). Condition: Breast-ovarian cancer, familial 1. Review status: no classification provided. Collection method: in vitro. Allele origin: not applicable. Functional consequence: functionally_normal.
ClinVar note: "not provided" was previously submitted as the classification for the variant. However, the classification appeared to be based only on an observation of functional data so it was converted to no classification on 2025-07-30.

NM_007294.4(BRCA1):c.5000A>T (p.Lys1667Met)

Gene: BRCA1 (BRCA1 DNA repair associated; minus strand). Cytogenetic location: 17q21.31.
Variant type: single nucleotide variant.
Coding change: c.5000A>T on transcript NM_007294.4 (MANE Select); coding-DNA position 5000, A replaced by T.
Protein change: p.Lys1667Met; replaces lysine 1667 with methionine.
Molecular consequence: missense variant. On other transcripts: non-coding transcript variant (1).
Genome position (GRCh38, 1-based): chr17:43,067,682, T>A on the plus strand (A>T on the coding strand, the complement: BRCA1 is on the minus strand). VCF-style: chr17-43067682-T-A. GRCh37 (hg19) VCF-style: chr17-41219699-T-A.
Other names: c.4853A>T, p.Lys1618Met (NM_001407848.1, NM_001407839.1, NM_001407841.1 and 12 more transcripts); c.4799A>T, p.Lys1600Met (NM_001407862.1); c.4874A>T, p.Lys1625Met (NM_001407863.1, NM_001407671.1, NM_001407672.1 and 11 more transcripts); c.4793A>T, p.Lys1598Met (NM_001407874.1, NM_001407875.1); c.4790A>T, p.Lys1597Met (NM_001407879.1, NM_001407881.1, NM_001407882.1 and 5 more transcripts); c.4787A>T, p.Lys1596Met (NM_001407902.1, NM_001407904.1, NM_001407906.1 and 12 more transcripts); c.4784A>T, p.Lys1595Met (NM_001407915.1, NM_001407916.1, NM_001407917.1 and 1 more transcripts); c.4733A>T, p.Lys1578Met (NM_001407927.1, NM_001407928.1, NM_001407929.1 and 4 more transcripts); and 70 more; short protein forms K563M, K1688M, K1620M, K1667M, K1513M, K1539M, K1554M, K1556M.
Identifiers: ClinVar variation 868103 (VCV000868103.3), dbSNP rs1057519495, ClinGen allele CA10591519.